The following is an entry in ClinVar:

NM_001042492.3(NF1):c.1296_1297dup (p.Tyr433fs)

Gene: NF1 (neurofibromin 1; plus strand). Cytogenetic location: 17q11.2.
Variant type: Microsatellite.
Coding change: c.1296_1297dup on transcript NM_001042492.3 (MANE Select); coding-DNA positions 1296 to 1297, 2 bases duplicated (GT; older notation c.1296_1297dupGT).
Protein change: p.Tyr433fs; shifts the reading frame from tyrosine 433.
Molecular consequence: frameshift variant.
Genome position (GRCh38, 1-based): chr17:31,206,275-31,206,276, GT duplicated; duplicating any 2 consecutive bases within chr17:31,206,272-31,206,276 gives the same sequence; the c. name uses the placement nearest the transcript's 3' end. VCF-style (leftmost placement, unchanged base first): chr17-31206271-C-CTG. GRCh37 (hg19) VCF-style: chr17-29533289-C-CTG.
Other names: c.1294_1295GT[3], p.Tyr433Cysfs (NM_000267.4); c.1296_1297dup, p.Tyr433fs (NM_001128147.3); c.1292_1293insTG (NM_000267.3); short protein forms Y433fs.
Identifiers: ClinVar variation 945167 (VCV000945167.10), dbSNP rs2066619428, ClinGen allele CA2255552877.

ClinVar aggregate classification (germline): Pathogenic. Review status: criteria provided, multiple submitters, no conflicts (2 of 4 stars). 3 submissions from 3 submitters: Pathogenic (3). Last evaluated 2022-03-15.

Conditions:
Neurofibromatosis, type 1 (NF1). Also called: Peripheral type neurofibromatosis; Neurofibromatosis, type I; VON RECKLINGHAUSEN DISEASE; NEUROFIBROMATOSIS, TYPE I, SOMATIC. Identifiers: Orphanet 636, MedGen C0027831, MONDO:0018975, OMIM 162200. Disease mechanism: loss of function.

Submissions (3):

Genome-Nilou Lab
Classification: Pathogenic for Neurofibromatosis, type 1. Last evaluated: 2022-03-15. Review status: criteria provided, single submitter. Criteria: ACMG Guidelines, 2015. Collection method: clinical testing. Allele origin: germline. Affected: no.

Foundation for Research in Genetics and Endocrinology, FRIGE's Institute of Human Genetics
Classification: Pathogenic for Neurofibromatosis, type 1. Last evaluated: 2020-09-24. Review status: criteria provided, single submitter. Criteria: ACMG Guidelines, 2015. Collection method: clinical testing. Allele origin: germline. Inheritance: Autosomal dominant inheritance. Affected: yes. Observed: 1 heterozygote.
Comment: A heterozygous 2 base pair insertion in exon 12 of the NF1 gene that results in a frameshift and premature truncation of the protein 41 amino acids downstream to codon 433 was detected. The observed variant c.1292_1293insTG (p.Tyr433CysfsTer41) has not been reported in the 1000 genomes and gnomAD databases. The reference codon is conserved across species. In summary, the variant meets our criteria to be classified as pathogenic.

Labcorp Genetics (formerly Invitae), Labcorp
Classification: Pathogenic for Neurofibromatosis, type 1. Last evaluated: 2019-05-07. Review status: criteria provided, single submitter. Criteria: Invitae Variant Classification Sherloc (09022015). Collection method: clinical testing. Allele origin: germline.
Comment: This sequence change creates a premature translational stop signal (p.Tyr433Cysfs*41) in the NF1 gene. It is expected to result in an absent or disrupted protein product. This variant is not present in population databases (ExAC no frequency). This variant has not been reported in the literature in individuals with NF1-related conditions. Loss-of-function variants in NF1 are known to be pathogenic (PMID: 10712197, 23913538). For these reasons, this variant has been classified as Pathogenic.

Literature cited by the submitters: PubMed 10712197 (cited by Labcorp Genetics (formerly Invitae), Labcorp); PubMed 23913538 (cited by Labcorp Genetics (formerly Invitae), Labcorp).